The following is an entry in ClinVar:

NM_000081.4(LYST):c.10525C>T (p.Arg3509Trp)

Gene: LYST (lysosomal trafficking regulator; minus strand). Cytogenetic location: 1q42.3.
Variant type: single nucleotide variant.
Coding change: c.10525C>T on transcript NM_000081.4 (MANE Select); coding-DNA position 10525, C replaced by T.
Protein change: p.Arg3509Trp; replaces arginine 3509 with tryptophan.
Molecular consequence: missense variant.
Genome position (GRCh38, 1-based): chr1:235,697,122, G>A on the plus strand (C>T on the coding strand, the complement: LYST is on the minus strand). VCF-style: chr1-235697122-G-A. GRCh37 (hg19) VCF-style: chr1-235860422-G-A.
Other names: p.Arg3509Trp; c.10525C>T, p.Arg3509Trp (NM_001301365.1); short protein forms R3509W.
Identifiers: ClinVar variation 876670 (VCV000876670.10), dbSNP rs745483295, ClinGen allele CA1465353.

ClinVar aggregate classification (germline): Uncertain significance. Review status: criteria provided, multiple submitters, no conflicts (2 of 4 stars). 5 submissions from 5 submitters: Uncertain significance (5). Last evaluated 2024-10-23.

Conditions:
Chédiak-Higashi syndrome (CHS). Also called: Chediak-Higashi Syndrome. Identifiers: Orphanet 167, MedGen C0007965, MONDO:0008963, OMIM 214500.

Allele frequency attached by ClinVar (database versions not stated): ExAC 0.00001; gnomAD 0.00003; gnomAD exomes 0.00003; TOPMed 0.00004.
gnomAD v4.1: 59 of 1,614,000 alleles (0.0037%); highest among the groups gnomAD compares: Middle Eastern, 0.016%; no homozygotes.

Submissions (5):

Labcorp Genetics (formerly Invitae), Labcorp
Classification: Uncertain significance for Chédiak-Higashi syndrome. Last evaluated: 2024-10-23. Review status: criteria provided, single submitter. Criteria: Invitae Variant Classification Sherloc (09022015). Collection method: clinical testing. Allele origin: germline.
Comment: This sequence change replaces arginine, which is basic and polar, with tryptophan, which is neutral and slightly polar, at codon 3509 of the LYST protein (p.Arg3509Trp). This variant is present in population databases (rs745483295, gnomAD 0.03%). This missense change has been observed in individual(s) with chronic active Epstein-Barr virus (EBV) infection (PMID: 34170459). ClinVar contains an entry for this variant (Variation ID: 876670). Invitae Evidence Modeling of protein sequence and biophysical properties (such as structural, functional, and spatial information, amino acid conservation, physicochemical variation, residue mobility, and thermodynamic stability) indicates that this missense variant is not expected to disrupt LYST protein function with a negative predictive value of 80%. In summary, the available evidence is currently insufficient to determine the role of this variant in disease. Therefore, it has been classified as a Variant of Uncertain Significance.

Mayo Clinic Laboratories, Mayo Clinic
Classification: Uncertain significance. Last evaluated: 2024-08-16. Review status: criteria provided, single submitter. Criteria: ACMG Guidelines, 2015. Collection method: clinical testing. Allele origin: germline. Observed: 1 variant allele.

Blueprint Genetics
Classification: Uncertain significance. Last evaluated: 2024-05-17. Review status: criteria provided, single submitter. Criteria: ACMG Guidelines, 2015. Collection method: clinical testing. Allele origin: germline.

Fulgent Genetics
Classification: Uncertain significance for Chédiak-Higashi syndrome. Last evaluated: 2022-05-27. Review status: criteria provided, single submitter. Criteria: ACMG Guidelines, 2015. Collection method: clinical testing. Allele origin: unknown.

Illumina Laboratory Services, Illumina
Classification: Uncertain significance for Chédiak-Higashi syndrome. Last evaluated: 2018-01-13. Review status: criteria provided, single submitter. Criteria: ICSL Variant Classification Criteria 13 December 2019. Collection method: clinical testing. Allele origin: germline.

Literature cited by the submitters: PubMed 34170459 (cited by Labcorp Genetics (formerly Invitae), Labcorp).